The following is an entry in ClinVar:

ClinVar aggregate classification (germline): Uncertain significance (1 of 4 stars; one submission).

Submission:

GeneDx
Classification: Uncertain significance. Last evaluated: 2022-01-04. Review status: criteria provided, single submitter. Criteria: GeneDx Variant Classification Process June 2021. Collection method: clinical testing. Allele origin: germline. Affected: yes.
Comment: Not observed at significant frequency in large population cohorts (gnomAD); In silico analysis supports that this missense variant has a deleterious effect on protein structure/function; Has not been previously published as pathogenic or benign to our knowledge

NM_001393769.1(MED12L):c.2708C>T (p.Ser903Phe)

Genes: MED12L (mediator complex subunit 12L; plus strand), P2RY12 (purinergic receptor P2Y12; minus strand). Cytogenetic location: 3q25.1.
Variant type: single nucleotide variant.
Coding change: c.2708C>T on transcript NM_001393769.1 (MANE Select); coding-DNA position 2708, C replaced by T.
Protein change: p.Ser903Phe; replaces serine 903 with phenylalanine.
Molecular consequence: missense variant. On other transcripts: intron variant (1).
Genome position (GRCh38, 1-based): chr3:151,357,259, C>T. VCF-style: chr3-151357259-C-T. GRCh37 (hg19) VCF-style: chr3-151075047-C-T.
Other names: c.2603C>T, p.Ser868Phe (NM_053002.6); c.-179-16499G>A (NM_022788.5); short protein forms S868F, S903F.
Identifiers: ClinVar variation 1693396 (VCV001693396.2), dbSNP rs746991534, ClinGen allele CA354965123.